The following is an entry in ClinVar:

NM_000397.4(CYBB):c.1207G>T (p.Val403Leu)

Gene: CYBB (cytochrome b-245 beta chain; plus strand). Cytogenetic location: Xp11.4.
Variant type: single nucleotide variant.
Coding change: c.1207G>T on transcript NM_000397.4 (MANE Select); coding-DNA position 1207, G replaced by T.
Protein change: p.Val403Leu; replaces valine 403 with leucine.
Molecular consequence: missense variant.
Genome position (GRCh38, 1-based): chrX:37,805,061, G>T. VCF-style: chrX-37805061-G-T. GRCh37 (hg19) VCF-style: chrX-37664314-G-T.
Other names: short protein forms V403L.
Identifiers: ClinVar variation 1720322 (VCV001720322.6), dbSNP rs1556471174, ClinGen allele CA412977732.

ClinVar aggregate classification (germline): Uncertain significance (1 of 4 stars; one submission).

Conditions:
Granulomatous disease, chronic, X-linked. Also called: CYTOCHROME b-NEGATIVE GRANULOMATOUS DISEASE, CHRONIC, X-LINKED; GRANULOMATOUS DISEASE, CHRONIC, X-LINKED, SOMATIC MOSAIC. Identifiers: Orphanet 379, MedGen C1844376, MONDO:0010600, OMIM 306400.

gnomAD v4.1: 1 of 1,211,550 alleles (0.000083%); highest among the groups gnomAD compares: East Asian, 0.003%; no homozygotes.

Submission:

Labcorp Genetics (formerly Invitae), Labcorp
Classification: Uncertain significance for Granulomatous disease, chronic, X-linked. Last evaluated: 2022-09-25. Review status: criteria provided, single submitter. Criteria: Invitae Variant Classification Sherloc (09022015). Collection method: clinical testing. Allele origin: germline.
Comment: This variant is present in population databases (no rsID available, gnomAD 0.008%). This sequence change replaces valine, which is neutral and non-polar, with leucine, which is neutral and non-polar, at codon 403 of the CYBB protein (p.Val403Leu). This variant has not been reported in the literature in individuals affected with CYBB-related conditions. Advanced modeling of protein sequence and biophysical properties (such as structural, functional, and spatial information, amino acid conservation, physicochemical variation, residue mobility, and thermodynamic stability) performed at Invitae indicates that this missense variant is expected to disrupt CYBB protein function. In summary, the available evidence is currently insufficient to determine the role of this variant in disease. Therefore, it has been classified as a Variant of Uncertain Significance.